The following is an entry in ClinVar:

ClinVar aggregate classification (germline): Uncertain significance (1 of 4 stars; one submission).

gnomAD v4.1: 3 of 1,613,946 alleles (0.00019%); highest among the groups gnomAD compares: Non-Finnish European, 0.00025%; no homozygotes.

Submission:

CeGaT Center for Human Genetics Tuebingen
Classification: Uncertain significance. Last evaluated: 2025-10-01. Review status: criteria provided, single submitter. Criteria: CeGaT Center For Human Genetics Tuebingen Variant Classification Criteria Version 2. Collection method: clinical testing. Allele origin: germline. Affected: yes. Observed: 1 variant allele.
Comment: AFG2B: PM2

NM_024063.3(AFG2B):c.1447C>G (p.Pro483Ala)

Gene: AFG2B (AAA ATPase AFG2B; plus strand). Cytogenetic location: 15q21.1.
Variant type: single nucleotide variant.
Coding change: c.1447C>G on transcript NM_024063.3 (MANE Select); coding-DNA position 1447, C replaced by G.
Protein change: p.Pro483Ala; replaces proline 483 with alanine.
Molecular consequence: missense variant. On other transcripts: non-coding transcript variant (5).
Genome position (GRCh38, 1-based): chr15:45,414,583, C>G. VCF-style: chr15-45414583-C-G. GRCh37 (hg19) VCF-style: chr15-45706781-C-G.
Other names: c.1447C>G, p.Pro483Ala (NM_001323640.2); short protein forms P483A.
Identifiers: ClinVar variation 4534135 (VCV004534135.6).
Genomic context (GRCh38, chr15:45,414,583, plus strand): 5'-ATTTTATTATTATACTAAAACAACTCTTCTCTTTTTGTGTACTTTCAGAGCATTGAGTGG[C>G]CTCTGAAATTCCCTTGGGAATTTGTTAGAATGGGCCTGACACAACCAAAGGGAGTTCTCC-3'
Protein context (NP_076968.2, residues 473-493): KLKLKQSIEW[Pro483Ala]LKFPWEFVRM